The following is an entry in ClinVar:

ClinVar aggregate classification (germline): Uncertain significance (1 of 4 stars; one submission).

Conditions:
Long QT syndrome 10 (LQT10). Identifiers: Orphanet 101016, Orphanet 768, MedGen C2678484, MONDO:0012737, OMIM 611819.

Allele frequency attached by ClinVar (database versions not stated): 1000 Genomes Project 30x 0.00031.

Submission:

Labcorp Genetics (formerly Invitae), Labcorp
Classification: Uncertain significance for Long QT syndrome 10. Last evaluated: 2024-07-16. Review status: criteria provided, single submitter. Criteria: Invitae Variant Classification Sherloc (09022015). Collection method: clinical testing. Allele origin: germline.
Comment: This sequence change replaces alanine, which is neutral and non-polar, with threonine, which is neutral and polar, at codon 38 of the SCN4B protein (p.Ala38Thr). This variant is present in population databases (rs777894412, gnomAD 0.02%). This variant has not been reported in the literature in individuals affected with SCN4B-related conditions. ClinVar contains an entry for this variant (Variation ID: 855114). An algorithm developed to predict the effect of missense changes on protein structure and function (PolyPhen-2) suggests that this variant is likely to be tolerated. In summary, the available evidence is currently insufficient to determine the role of this variant in disease. Therefore, it has been classified as a Variant of Uncertain Significance.

NM_174934.4(SCN4B):c.112G>A (p.Ala38Thr)

Gene: SCN4B (sodium voltage-gated channel beta subunit 4; minus strand). Cytogenetic location: 11q23.3.
Variant type: single nucleotide variant.
Coding change: c.112G>A on transcript NM_174934.4 (MANE Select); coding-DNA position 112, G replaced by A.
Protein change: p.Ala38Thr; replaces alanine 38 with threonine.
Molecular consequence: missense variant. On other transcripts: 5 prime UTR variant (1), non-coding transcript variant (1), intron variant (1).
Genome position (GRCh38, 1-based): chr11:118,145,179, C>T on the plus strand (G>A on the coding strand, the complement: SCN4B is on the minus strand). VCF-style: chr11-118145179-C-T. GRCh37 (hg19) VCF-style: chr11-118015894-C-T.
Other names: c.-219G>A (NM_001142349.2); c.62-3843G>A (NM_001142348.2); short protein forms A38T.
Identifiers: ClinVar variation 855114 (VCV000855114.10), dbSNP rs777894412, ClinGen allele CA6300291.